The following is an entry in ClinVar:

NM_001145809.2(MYH14):c.*216T>G

Gene: MYH14 (myosin heavy chain 14; plus strand). Cytogenetic location: 19q13.33.
Variant type: single nucleotide variant.
Coding change: c.*216T>G on transcript NM_001145809.2 (MANE Select); 216 bases downstream of the stop codon, T replaced by G.
Molecular consequence: 3 prime UTR variant.
Genome position (GRCh38, 1-based): chr19:50,310,006, T>G. VCF-style: chr19-50310006-T-G. GRCh37 (hg19) VCF-style: chr19-50813263-T-G.
Other names: c.*216T>G (NM_001077186.2, NM_024729.4).
Identifiers: ClinVar variation 329958 (VCV000329958.7), dbSNP rs627491, ClinGen allele CA10652200.

ClinVar aggregate classification (germline): Benign. Review status: criteria provided, multiple submitters, no conflicts (2 of 4 stars). 3 submissions from 3 submitters: Benign (3). Last evaluated 2018-11-12.

Conditions:
Autosomal dominant nonsyndromic hearing loss 4A. Also called: Deafness, autosomal dominant 4A. Identifiers: Orphanet 90635, MedGen C1833503, MONDO:0010915, OMIM 600652.

Allele frequency attached by ClinVar (database versions not stated): 1000 Genomes Project 0.82508; 1000 Genomes Project 30x 0.82589; gnomAD 0.85728 and 0.86114; TOPMed 0.85891.
gnomAD v4.1: 545,636 of 649,214 alleles (84%); highest among the groups gnomAD compares: African/African-American, 88%; 230,232 homozygotes.

Submissions (3):

GeneDx
Classification: Benign. Last evaluated: 2018-11-12. Review status: criteria provided, single submitter. Criteria: GeneDx Variant Classification Process June 2021. Collection method: clinical testing. Allele origin: germline. Affected: yes.

Illumina Laboratory Services, Illumina
Classification: Benign for Autosomal dominant nonsyndromic hearing loss 4A. Last evaluated: 2018-01-12. Review status: criteria provided, single submitter. Criteria: ICSL Variant Classification Criteria 13 December 2019. Collection method: clinical testing. Allele origin: germline.
Comment: This variant was observed in the ICSL laboratory as part of a predisposition screen in an ostensibly healthy population. It had not been previously curated by ICSL or reported in the Human Gene Mutation Database (HGMD: prior to June 1st, 2018), and was therefore a candidate for classification through an automated scoring system. Utilizing variant allele frequency, disease prevalence and penetrance estimates, and inheritance mode, an automated score was calculated to assess if this variant is too frequent to cause the disease. Based on the score and internal cut-off values, a variant classified as benign is not then subjected to further curation. The score for this variant resulted in a classification of benign for this disease.

Breakthrough Genomics
Classification: Benign. Review status: criteria provided, single submitter. Criteria: ACMG Guidelines, 2015. Collection method: not provided. Allele origin: germline. Inheritance: Autosomal dominant inheritance. Affected: yes.